The following is an entry in ClinVar:

ClinVar aggregate classification (germline): Uncertain significance. Review status: criteria provided, multiple submitters, no conflicts (2 of 4 stars). 2 submissions from 2 submitters: Uncertain significance (2). Last evaluated 2026-06-04.

Conditions:
OTOF-related disorder. Also called: OTOF-related condition.
Autosomal recessive nonsyndromic hearing loss 9. Also called: Deafness, autosomal recessive 9; OTOF-Related Hearing Loss; AUDITORY NEUROPATHY, AUTOSOMAL RECESSIVE, 1, TEMPERATURE-SENSITIVE; NEUROSENSORY NONSYNDROMIC RECESSIVE DEAFNESS 9. Identifiers: Orphanet 90636, MedGen C1832828, MONDO:0010986, OMIM 601071.

Allele frequency attached by ClinVar (database versions not stated): gnomAD exomes 0.00001; TOPMed 0.00001.
gnomAD v4.1: 3 of 1,613,828 alleles (0.00019%); highest among the groups gnomAD compares: Middle Eastern, 0.033%; no homozygotes.

Submissions (2):

PreventionGenetics, part of Exact Sciences
Classification: Uncertain significance for OTOF-related condition. Last evaluated: 2026-06-04. Review status: criteria provided, single submitter. Criteria: ACMG Guidelines, 2015. Collection method: clinical testing. Allele origin: germline.
Comment: The OTOF c.731T>C variant is predicted to result in the amino acid substitution p.Met244Thr. To our knowledge, this variant has not been reported in the literature or in a large population database (gnomAD), indicating this variant is rare. At this time, the clinical significance of this variant is uncertain due to the absence of conclusive functional and genetic evidence.

Illumina Laboratory Services, Illumina
Classification: Uncertain significance for Autosomal recessive nonsyndromic hearing loss 9. Last evaluated: 2018-01-13. Review status: criteria provided, single submitter. Criteria: ICSL Variant Classification Criteria 13 December 2019. Collection method: clinical testing. Allele origin: germline.

NM_194248.3(OTOF):c.731T>C (p.Met244Thr)

Gene: OTOF (otoferlin; minus strand). Cytogenetic location: 2p23.3.
Variant type: single nucleotide variant.
Coding change: c.731T>C on transcript NM_194248.3 (MANE Select); coding-DNA position 731, T replaced by C.
Protein change: p.Met244Thr; replaces methionine 244 with threonine.
Molecular consequence: missense variant.
Genome position (GRCh38, 1-based): chr2:26,501,788, A>G on the plus strand (T>C on the coding strand, the complement: OTOF is on the minus strand). VCF-style: chr2-26501788-A-G. GRCh37 (hg19) VCF-style: chr2-26724656-A-G.
Other names: c.731T>C, p.Met244Thr (NM_001287489.2); short protein forms M244T.
Identifiers: ClinVar variation 898219 (VCV000898219.5), dbSNP rs1666121138, ClinGen allele CA346138736.